The following is an entry in ClinVar:

NM_001102564.3(IFT43):c.125C>T (p.Ser42Phe)

Gene: IFT43 (intraflagellar transport 43; plus strand). Cytogenetic location: 14q24.3.
Variant type: single nucleotide variant.
Coding change: c.125C>T on transcript NM_001102564.3 (MANE Select); coding-DNA position 125, C replaced by T.
Protein change: p.Ser42Phe; replaces serine 42 with phenylalanine.
Molecular consequence: missense variant. On other transcripts: non-coding transcript variant (2).
Genome position (GRCh38, 1-based): chr14:75,988,955, C>T. VCF-style: chr14-75988955-C-T. GRCh37 (hg19) VCF-style: chr14-76455298-C-T.
Other names: c.125C>T (NM_052873.2); c.125C>T, p.Ser42Phe (NM_001255995.3, NM_052873.3); short protein forms S42F.
Identifiers: ClinVar variation 2001980 (VCV002001980.7), dbSNP rs2503039960, ClinGen allele CA390473051.

ClinVar aggregate classification (germline): Uncertain significance. Review status: criteria provided, multiple submitters, no conflicts (2 of 4 stars). 2 submissions from 2 submitters: Uncertain significance (2). Last evaluated 2022-07-22.

Allele frequency attached by ClinVar (database versions not stated): gnomAD exomes below 0.00001.

Submissions (2):

GeneDx
Classification: Uncertain significance. Last evaluated: 2022-07-22. Review status: criteria provided, single submitter. Criteria: GeneDx Variant Classification Process June 2021. Collection method: clinical testing. Allele origin: germline. Affected: yes.
Comment: Not observed at significant frequency in large population cohorts (gnomAD); In silico analysis supports that this missense variant has a deleterious effect on protein structure/function; Has not been previously published as pathogenic or benign to our knowledge

Labcorp Genetics (formerly Invitae), Labcorp
Classification: Uncertain significance. Last evaluated: 2022-07-09. Review status: criteria provided, single submitter. Criteria: Invitae Variant Classification Sherloc (09022015). Collection method: clinical testing. Allele origin: germline.
Comment: This sequence change replaces serine, which is neutral and polar, with phenylalanine, which is neutral and non-polar, at codon 42 of the IFT43 protein (p.Ser42Phe). This variant is not present in population databases (gnomAD no frequency). This variant has not been reported in the literature in individuals affected with IFT43-related conditions. Algorithms developed to predict the effect of missense changes on protein structure and function are either unavailable or do not agree on the potential impact of this missense change (SIFT: "Deleterious"; PolyPhen-2: "Possibly Damaging"; Align-GVGD: "Class C0"). In summary, the available evidence is currently insufficient to determine the role of this variant in disease. Therefore, it has been classified as a Variant of Uncertain Significance.